The following is an entry in ClinVar:

NM_198253.3(TERT):c.567C>G (p.His189Gln)

Gene: TERT (telomerase reverse transcriptase; minus strand). Cytogenetic location: 5p15.33.
Variant type: single nucleotide variant.
Coding change: c.567C>G on transcript NM_198253.3 (MANE Select); coding-DNA position 567, C replaced by G.
Protein change: p.His189Gln; replaces histidine 189 with glutamine.
Molecular consequence: missense variant. On other transcripts: non-coding transcript variant (2).
Genome position (GRCh38, 1-based): chr5:1,294,319, G>C on the plus strand (C>G on the coding strand, the complement: TERT is on the minus strand). VCF-style: chr5-1294319-G-C. GRCh37 (hg19) VCF-style: chr5-1294434-G-C.
Other names: c.567C>G, p.His189Gln (NM_001193376.3, NM_003219.1); short protein forms H189Q.
Identifiers: ClinVar variation 1749005 (VCV001749005.2), dbSNP rs747935528, ClinGen allele CA359057444.

ClinVar aggregate classification (germline): Uncertain significance (1 of 4 stars; one submission).

Conditions:
Dyskeratosis congenita. Identifiers: Orphanet 1775, MedGen C0265965, MONDO:0015780.

gnomAD v4.1: 1 of 1,589,362 alleles (0.000063%); highest among the groups gnomAD compares: Non-Finnish European, 0.000085%; no homozygotes.

Submission:

Ambry Genetics
Classification: Uncertain significance for Dyskeratosis congenita. Last evaluated: 2022-02-15. Review status: criteria provided, single submitter. Criteria: Ambry Variant Classification Scheme 2023. Collection method: clinical testing. Allele origin: germline.
Comment: The p.H189Q variant (also known as c.567C>G), located in coding exon 2 of the TERT gene, results from a C to G substitution at nucleotide position 567. The histidine at codon 189 is replaced by glutamine, an amino acid with highly similar properties. This amino acid position is conserved. In addition, this alteration is predicted to be tolerated by in silico analysis. Since supporting evidence is limited at this time, the clinical significance of this alteration remains unclear.